The following is an entry in ClinVar:

NM_201253.3(CRB1):c.3007A>T (p.Ile1003Phe)

Gene: CRB1 (crumbs cell polarity complex component 1; plus strand). Cytogenetic location: 1q31.3.
Variant type: single nucleotide variant.
Coding change: c.3007A>T on transcript NM_201253.3 (MANE Select); coding-DNA position 3007, A replaced by T.
Protein change: p.Ile1003Phe; replaces isoleucine 1003 with phenylalanine.
Molecular consequence: missense variant. On other transcripts: non-coding transcript variant (2), intron variant (1).
Genome position (GRCh38, 1-based): chr1:197,434,870, A>T. VCF-style: chr1-197434870-A-T. GRCh37 (hg19) VCF-style: chr1-197404000-A-T.
Other names: c.2935A>T, p.Ile979Phe (NM_001257965.2); c.2129-730A>T (NM_001257966.2); c.2671A>T, p.Ile891Phe (NM_001193640.2); short protein forms I1003F, I891F, I979F.
Identifiers: ClinVar variation 1046277 (VCV001046277.11), dbSNP rs910299744, ClinGen allele CA35906753.

ClinVar aggregate classification (germline): Uncertain significance. Review status: criteria provided, multiple submitters, no conflicts (2 of 4 stars). 5 submissions from 3 submitters: Uncertain significance (5). Last evaluated 2023-04-11.

Conditions:
Leber congenital amaurosis 8 (LCA8). Identifiers: Orphanet 65, MedGen C3151202, MONDO:0013453, OMIM 613835.
Retinitis pigmentosa 12 (RP12). Also called: RP WITH OR WITHOUT PPRPE; RP WITH OR WITHOUT PRESERVED PARAARTERIOLE RETINAL PIGMENT EPITHELIUM; RETINITIS PIGMENTOSA WITH OR WITHOUT PARAARTERIOLAR PRESERVATION OF RETINAL PIGMENT EPITHELIUM. Identifiers: Orphanet 791, MedGen C1838647, MONDO:0010818, OMIM 600105.
Pigmented paravenous retinochoroidal atrophy. Identifiers: Orphanet 251295, MedGen C1868310, MONDO:0008246, OMIM 172870.

Allele frequency attached by ClinVar (database versions not stated): TOPMed 0.00001.
gnomAD v4.1: 1 of 1,613,874 alleles (0.000062%); no homozygotes.

Submissions (5):

Genome-Nilou Lab
Classification: Uncertain significance for Leber congenital amaurosis 8. Last evaluated: 2023-04-11. Review status: criteria provided, single submitter. Criteria: ACMG Guidelines, 2015. Collection method: clinical testing. Allele origin: germline. Affected: no.

Genome-Nilou Lab
Classification: Uncertain significance for Pigmented paravenous retinochoroidal atrophy. Last evaluated: 2023-04-11. Review status: criteria provided, single submitter. Criteria: ACMG Guidelines, 2015. Collection method: clinical testing. Allele origin: germline. Affected: no.

Genome-Nilou Lab
Classification: Uncertain significance for Retinitis pigmentosa 12. Last evaluated: 2023-04-11. Review status: criteria provided, single submitter. Criteria: ACMG Guidelines, 2015. Collection method: clinical testing. Allele origin: germline. Affected: no.

Labcorp Genetics (formerly Invitae), Labcorp
Classification: Uncertain significance for Leber congenital amaurosis 8; Retinitis pigmentosa 12. Last evaluated: 2022-02-02. Review status: criteria provided, single submitter. Criteria: Invitae Variant Classification Sherloc (09022015). Collection method: clinical testing. Allele origin: germline.
Comment: In summary, the available evidence is currently insufficient to determine the role of this variant in disease. Therefore, it has been classified as a Variant of Uncertain Significance. Advanced modeling of protein sequence and biophysical properties (such as structural, functional, and spatial information, amino acid conservation, physicochemical variation, residue mobility, and thermodynamic stability) performed at Invitae indicates that this missense variant is expected to disrupt CRB1 protein function. ClinVar contains an entry for this variant (Variation ID: 1046277). This variant has not been reported in the literature in individuals affected with CRB1-related conditions. This variant is not present in population databases (gnomAD no frequency). This sequence change replaces isoleucine, which is neutral and non-polar, with phenylalanine, which is neutral and non-polar, at codon 1003 of the CRB1 protein (p.Ile1003Phe).

GeneDx
Classification: Uncertain significance. Last evaluated: 2019-05-23. Review status: criteria provided, single submitter. Criteria: GeneDx Variant Classification Process June 2021. Collection method: clinical testing. Allele origin: germline. Affected: yes.
Comment: Not observed in large population cohorts (Lek et al., 2016); In silico analysis, which includes protein predictors and evolutionary conservation, supports a deleterious effect; Has not been previously published as pathogenic or benign to our knowledge